The following is an entry in ClinVar:

NM_001267550.2(TTN):c.76922G>A (p.Arg25641His)

Genes: TTN (titin; minus strand), TTN-AS1 (TTN antisense RNA 1; plus strand). Cytogenetic location: 2q31.2.
Variant type: single nucleotide variant.
Coding change: c.76922G>A on transcript NM_001267550.2 (MANE Select); coding-DNA position 76922, G replaced by A.
Protein change: p.Arg25641His; replaces arginine 25641 with histidine.
Molecular consequence: missense variant.
Genome position (GRCh38, 1-based): chr2:178,569,210, C>T on the plus strand (G>A on the coding strand, the complement: TTN is on the minus strand). VCF-style: chr2-178569210-C-T. GRCh37 (hg19) VCF-style: chr2-179433937-C-T.
Other names: p.R24000H:CGT>CAT; c.49727G>A, p.Arg16576His (NM_003319.4); c.50102G>A, p.Arg16701His (NM_133432.3); c.50303G>A, p.Arg16768His (NM_133437.4); c.71999G>A, p.Arg24000His (NM_001256850.1); c.69218G>A, p.Arg23073His (NM_133378.4); short protein forms R24000H, R25641H, R23073H, R16701H, R16576H, R16768H.
Identifiers: ClinVar variation 202874 (VCV000202874.56), dbSNP rs369707906, ClinGen allele CA310554.

ClinVar aggregate classification (germline): Benign/Likely benign. Review status: criteria provided, multiple submitters, no conflicts (2 of 4 stars). 13 submissions from 13 submitters: Benign (3); Likely benign (7). 3 of the submissions do not count toward it. Last evaluated 2026-06-01.

Conditions:
TTN-related disorder. Also called: TTN-related disorders; TTN-related condition; TTN-related disease.
Cardiovascular phenotype. Identifiers: MedGen CN230736.
Autosomal recessive limb-girdle muscular dystrophy type 2J (LGMDR10). Also called: Limb-girdle muscular dystrophy, type 2J; MUSCULAR DYSTROPHY, LIMB-GIRDLE, AUTOSOMAL RECESSIVE 10. Identifiers: Orphanet 140922, MedGen C1837342, MONDO:0012127, OMIM 608807.
Dilated cardiomyopathy 1G (CMD1G). Identifiers: Orphanet 154, MedGen C1858763, MONDO:0011400, OMIM 604145.
Cardiomyopathy (CMYO). Also called: Cardiomyopathies. Identifiers: Orphanet 167848, MedGen C0878544, MONDO:0004994, HP:0001638. Inheritance: Various modes of inheritance.
Sudden cardiac arrest. Identifiers: MedGen C1720824, MONDO:0100511, MONDO:0007264.

Allele frequency attached by ClinVar (database versions not stated): 1000 Genomes Project 30x 0.00187; 1000 Genomes Project 0.00200; gnomAD 0.00006 and 0.00029; TOPMed 0.00012; gnomAD exomes 0.00071; ExAC 0.00085.
gnomAD v4.1: 798 of 1,606,956 alleles (0.05%); highest among the groups gnomAD compares: South Asian, 0.58%; 12 homozygotes.

Submissions (13):

CeGaT Center for Human Genetics Tuebingen
Classification: Likely benign. Last evaluated: 2026-06-01. Review status: criteria provided, single submitter. Criteria: CeGaT Center For Human Genetics Tuebingen Variant Classification Criteria Version 2. Collection method: clinical testing. Allele origin: germline. Affected: yes. Observed: 2 variant alleles.
Comment: TTN: BS2

Labcorp Genetics (formerly Invitae), Labcorp
Classification: Benign for Dilated cardiomyopathy 1G; Autosomal recessive limb-girdle muscular dystrophy type 2J. Last evaluated: 2026-02-02. Review status: criteria provided, single submitter. Criteria: Invitae Variant Classification Sherloc (09022015). Collection method: clinical testing. Allele origin: germline.

Women's Health and Genetics/Laboratory Corporation of America, LabCorp
Classification: Likely benign. Last evaluated: 2022-02-12. Review status: criteria provided, single submitter. Criteria: LabCorp Variant Classification Summary - May 2015. Collection method: clinical testing. Allele origin: germline.

CHEO Genetics Diagnostic Laboratory, Children's Hospital of Eastern Ontario
Classification: Benign for Cardiomyopathy. Last evaluated: 2021-11-25. Review status: criteria provided, single submitter. Criteria: ACMG Guidelines, 2015. Collection method: clinical testing. Allele origin: germline.

Ambry Genetics
Classification: Likely benign for Cardiovascular phenotype. Last evaluated: 2019-05-29. Review status: criteria provided, single submitter. Criteria: Ambry Variant Classification Scheme 2023. Collection method: clinical testing. Allele origin: germline.

Center for Advanced Laboratory Medicine, UC San Diego Health, University of California San Diego
Classification: Likely benign for Sudden cardiac arrest. Last evaluated: 2019-03-15. Review status: criteria provided, single submitter. Criteria: ACMG Guidelines, 2015. Collection method: clinical testing. Allele origin: germline. Affected: yes. Observed: 2 variant alleles.

Athena Diagnostics
Classification: Likely benign. Last evaluated: 2018-02-20. Review status: criteria provided, single submitter. Criteria: Athena Diagnostics Criteria. Collection method: clinical testing. Allele origin: germline.

GeneDx
Classification: Benign. Last evaluated: 2016-08-24. Review status: criteria provided, single submitter. Criteria: GeneDx Variant Classification (06012015). Collection method: clinical testing. Allele origin: germline. Affected: yes.
Comment: This variant is considered likely benign or benign based on one or more of the following criteria: it is a conservative change, it occurs at a poorly conserved position in the protein, it is predicted to be benign by multiple in silico algorithms, and/or has population frequency not consistent with disease.

Eurofins Ntd Llc (ga)
Classification: Likely benign. Last evaluated: 2015-09-15. Review status: criteria provided, single submitter. Criteria: EGL Classification Definitions 2015. Collection method: clinical testing. Allele origin: germline. Observed: 1 variant allele, 1 heterozygote.

Laboratory for Molecular Medicine, Mass General Brigham Personalized Medicine
Classification: Likely benign. Last evaluated: 2015-04-29. Review status: criteria provided, single submitter. Criteria: LMM Criteria. Collection method: clinical testing. Allele origin: germline. Observed: 1 variant allele.
Comment: p.Arg23073His in exon 275 of TTN: This variant is not expected to have clinical significance because it has been identified in 0.64% (100/15620) of South Asian chromosomes by the Exome Aggregation Consortium (ExAC; dbSNP rs369707906).

PreventionGenetics, part of Exact Sciences
Classification: Benign for TTN-related condition. Last evaluated: 2023-12-07. Review status: no assertion criteria provided. Collection method: clinical testing. Allele origin: germline. Not counted in ClinVar's aggregate classification.
Comment: This variant is classified as benign based on ACMG/AMP sequence variant interpretation guidelines (Richards et al. 2015 PMID: 25741868, with internal and published modifications).

Clinical Genetics DNA and cytogenetics Diagnostics Lab, Erasmus MC, Erasmus Medical Center
Classification: Likely benign. Review status: no assertion criteria provided. Collection method: clinical testing. Allele origin: germline. Affected: yes. Study: VKGL Data-share Consensus. Not counted in ClinVar's aggregate classification.

Clinical Genetics, Academic Medical Center
Classification: Benign. Review status: no assertion criteria provided. Collection method: clinical testing. Allele origin: germline. Affected: yes. Study: VKGL Data-share Consensus. Not counted in ClinVar's aggregate classification.